The following is an entry in ClinVar:

NM_001037633.1:c.-197_90delinsCTGTACTTTCTCAGTTCACT

Gene: SIL1 (SIL1 nucleotide exchange factor; minus strand).
Variant type: Indel.
Identifiers: ClinVar variation 3384089 (VCV003384089.1).

ClinVar aggregate classification (germline): Likely pathogenic (1 of 4 stars; one submission).

Conditions:
Marinesco-Sjögren syndrome (MSS). Also called: Marinesco-SjÃ¶gren syndrome; Marinesco-Sjogren Syndrome. Identifiers: Orphanet 559, MedGen C0024814, MONDO:0009567, OMIM 248800.

Submission:

Dubai Health Genomic Medicine Center, Dubai Health
Classification: Likely pathogenic for Marinesco-Sjogren syndrome. Last evaluated: 2024-10-04. Review status: criteria provided, single submitter. Criteria: ACMG Guidelines, 2015. Collection method: research. Allele origin: germline. Affected: yes.
Comment: PVS1,PM2